The following is an entry in ClinVar:

NM_007375.4(TARDBP):c.692T>C (p.Phe231Ser)

Gene: TARDBP (TAR DNA binding protein; plus strand). Cytogenetic location: 1p36.22.
Variant type: single nucleotide variant.
Coding change: c.692T>C on transcript NM_007375.4 (MANE Select); coding-DNA position 692, T replaced by C.
Protein change: p.Phe231Ser; replaces phenylalanine 231 with serine.
Molecular consequence: missense variant.
Genome position (GRCh38, 1-based): chr1:11,020,577, T>C. VCF-style: chr1-11020577-T-C. GRCh37 (hg19) VCF-style: chr1-11080634-T-C.
Other names: short protein forms F231S.
Identifiers: ClinVar variation 5000402 (VCV005000402.1).
Genomic context (GRCh38, chr1:11,020,577, plus strand): 5'-TCTCTCAGTACGGGGATGTGATGGATGTCTTCATCCCCAAGCCATTCAGGGCCTTTGCCT[T>C]TGTTACATTTGCAGATGATCAGGTATTTTTCTCCTTAACGATATGTCCCGGCCGGGCGTG-3'
Protein context (NP_031401.1, residues 221-241): FIPKPFRAFA[Phe231Ser]VTFADDQIAQ

ClinVar aggregate classification (germline): Uncertain significance (1 of 4 stars; one submission).

Conditions:
TARDBP-related disorder. Also called: TARDBP-related condition.

Submission:

PreventionGenetics, part of Exact Sciences
Classification: Uncertain significance for TARDBP-related condition. Last evaluated: 2025-04-09. Review status: criteria provided, single submitter. Criteria: ACMG Guidelines, 2015. Collection method: clinical testing. Allele origin: germline.
Comment: The TARDBP c.692T>C variant is predicted to result in the amino acid substitution p.Phe231Ser. To our knowledge, this variant has not been reported in the literature or in a large population database (gnomAD), indicating this variant is rare. At this time, the clinical significance of this variant is uncertain due to the absence of conclusive functional and genetic evidence.